The following is an entry in ClinVar:

ClinVar aggregate classification (germline): Uncertain significance (1 of 4 stars; one submission).

Conditions:
Familial thoracic aortic aneurysm and aortic dissection (TAAD). Also called: Thoracic aortic aneurysms and dissections. Identifiers: Orphanet 91387, MedGen C4707243, MONDO:0019625.

gnomAD v4.1: 1 of 1,614,194 alleles (0.000062%); highest among the groups gnomAD compares: Non-Finnish European, 0.000085%; no homozygotes.

Submission:

Ambry Genetics
Classification: Uncertain significance for Familial thoracic aortic aneurysm and aortic dissection. Last evaluated: 2026-08-22. Review status: criteria provided, single submitter. Criteria: Ambry Variant Classification Scheme 2023. Collection method: clinical testing. Allele origin: germline.
Comment: The p.M1654K variant (also known as c.4961T>A), located in coding exon 34 of the MYH11 gene, results from a T to A substitution at nucleotide position 4961. The methionine at codon 1654 is replaced by lysine, an amino acid with similar properties. This amino acid position is conserved. In addition, this alteration is predicted to be deleterious by in silico analysis. Based on the available evidence, the clinical significance of this variant remains unclear.

NM_002474.3(MYH11):c.4961T>A (p.Met1654Lys)

Genes: MYH11 (myosin heavy chain 11; minus strand), NDE1 (nudE neurodevelopment protein 1; plus strand). Cytogenetic location: 16p13.11.
Variant type: single nucleotide variant.
Coding change: c.4961T>A on transcript NM_002474.3 (MANE Select); coding-DNA position 4961, T replaced by A.
Protein change: p.Met1654Lys; replaces methionine 1654 with lysine.
Molecular consequence: missense variant. On other transcripts: intron variant (2).
Genome position (GRCh38, 1-based): chr16:15,719,706, A>T on the plus strand (T>A on the coding strand, the complement: MYH11 is on the minus strand). VCF-style: chr16-15719706-A-T. GRCh37 (hg19) VCF-style: chr16-15813563-A-T.
Other names: c.4982T>A, p.Met1661Lys (NM_001040113.2, NM_001040114.2); c.4961T>A, p.Met1654Lys (NM_022844.3); c.948-4485A>T (NM_001143979.2, NM_017668.3); short protein forms M1654K, M1661K.
Identifiers: ClinVar variation 5025097 (VCV005025097.1).